The following is an entry in ClinVar:

ClinVar aggregate classification (germline): Uncertain significance (1 of 4 stars; one submission).

Conditions:
Dilated cardiomyopathy 1G (CMD1G). Identifiers: Orphanet 154, MedGen C1858763, MONDO:0011400, OMIM 604145.
Autosomal recessive limb-girdle muscular dystrophy type 2J (LGMDR10). Also called: Limb-girdle muscular dystrophy, type 2J; MUSCULAR DYSTROPHY, LIMB-GIRDLE, AUTOSOMAL RECESSIVE 10. Identifiers: Orphanet 140922, MedGen C1837342, MONDO:0012127, OMIM 608807.

Submission:

Labcorp Genetics (formerly Invitae), Labcorp
Classification: Uncertain significance for Dilated cardiomyopathy 1G; Autosomal recessive limb-girdle muscular dystrophy type 2J. Last evaluated: 2022-06-20. Review status: criteria provided, single submitter. Criteria: Invitae Variant Classification Sherloc (09022015). Collection method: clinical testing. Allele origin: germline.
Comment: This sequence change replaces threonine, which is neutral and polar, with isoleucine, which is neutral and non-polar, at codon 35878 of the TTN protein (p.Thr35878Ile). This variant is not present in population databases (gnomAD no frequency). This variant has not been reported in the literature in individuals affected with TTN-related conditions. ClinVar contains an entry for this variant (Variation ID: 844880). Experimental studies and prediction algorithms are not available or were not evaluated, and the functional significance of this variant is currently unknown. This variant is located in the M band of TTN (PMID: 25589632). Variants in this region may be relevant for neuromuscular disorders, but have not been definitively shown to cause cardiomyopathy (PMID: 23975875). In summary, the available evidence is currently insufficient to determine the role of this variant in disease. Therefore, it has been classified as a Variant of Uncertain Significance.

Literature cited by the submitters: PubMed 25589632; PubMed 23975875.

NM_001267550.2(TTN):c.107633C>T (p.Thr35878Ile)

Genes: TTN-AS1 (TTN antisense RNA 1; plus strand), TTN (titin; minus strand). Cytogenetic location: 2q31.2.
Variant type: single nucleotide variant.
Coding change: c.107633C>T on transcript NM_001267550.2 (MANE Select); coding-DNA position 107633, C replaced by T.
Protein change: p.Thr35878Ile; replaces threonine 35878 with isoleucine.
Molecular consequence: missense variant.
Genome position (GRCh38, 1-based): chr2:178,527,493, G>A on the plus strand (C>T on the coding strand, the complement: TTN is on the minus strand). VCF-style: chr2-178527493-G-A. GRCh37 (hg19) VCF-style: chr2-179392220-G-A.
Other names: c.102710C>T, p.Thr34237Ile (NM_001256850.1); c.80438C>T, p.Thr26813Ile (NM_003319.4); c.99929C>T, p.Thr33310Ile (NM_133378.4); c.80813C>T, p.Thr26938Ile (NM_133432.3); c.81014C>T, p.Thr27005Ile (NM_133437.4); short protein forms T26938I, T27005I, T34237I, T35878I, T26813I, T33310I.
Identifiers: ClinVar variation 844880 (VCV000844880.7), dbSNP rs1686956801, ClinGen allele CA349399870.